The following is an entry in ClinVar:

NM_000521.4(HEXB):c.1082+2T>C

Gene: HEXB (hexosaminidase subunit beta; plus strand). Cytogenetic location: 5q13.3.
Variant type: single nucleotide variant.
Coding change: c.1082+2T>C on transcript NM_000521.4 (MANE Select); the canonical splice donor site of the intron after coding-DNA position 1082, T replaced by C.
Molecular consequence: splice donor variant.
Genome position (GRCh38, 1-based): chr5:74,715,692, T>C. VCF-style: chr5-74715692-T-C. GRCh37 (hg19) VCF-style: chr5-74011517-T-C.
Other names: c.407+2T>C (NM_001292004.2).
Identifiers: ClinVar variation 836930 (VCV000836930.13), dbSNP rs989299922, ClinGen allele CA120907100.

ClinVar aggregate classification (germline): Likely pathogenic. Review status: criteria provided, multiple submitters, no conflicts (2 of 4 stars). 3 submissions from 3 submitters: Likely pathogenic (3). Last evaluated 2025-02-11.

Conditions:
Sandhoff disease. Also called: Beta-hexosaminidase-beta-subunit deficiency; GM2 gangliosidosis, type 2; Total hexosaminidase deficiency; Sandhoff-Jatzkewitz-Pilz disease; GM2-GANGLIOSIDOSIS, TYPE II; HEXOSAMINIDASES A AND B DEFICIENCY. Identifiers: Orphanet 796, MedGen C0036161, MONDO:0010006, OMIM 268800.

Allele frequency attached by ClinVar (database versions not stated): TOPMed below 0.00001; gnomAD 0.00001; gnomAD exomes 0.00001.
gnomAD v4.1: 12 of 1,587,254 alleles (0.00076%); highest among the groups gnomAD compares: East Asian, 0.0022%; no homozygotes.

Submissions (3):

Natera, Inc.
Classification: Likely pathogenic for Sandhoff disease. Last evaluated: 2025-02-11. Review status: criteria provided, single submitter. Criteria: Natera Variant Classification Schema (03/2026). Collection method: clinical testing. Allele origin: germline.
Comment: The c.1082+2T>C variant in HEXB is a canonical splice donor site variant predicted to affect pre-mRNA splicing, which may result in an abnormal transcript and altered protein product. This variant is expected to result in nonsense mediated decay, truncation, or a dysfunctional protein product. This variant is rare in the general population with a frequency below the threshold expected for the associated phenotype(s). Given the available evidence, this variant is classified as Likely Pathogenic.

Fulgent Genetics
Classification: Likely pathogenic for Sandhoff disease. Last evaluated: 2024-01-05. Review status: criteria provided, single submitter. Criteria: ACMG Guidelines, 2015. Collection method: clinical testing. Allele origin: germline.

Labcorp Genetics (formerly Invitae), Labcorp
Classification: Likely pathogenic for Sandhoff disease. Last evaluated: 2022-09-12. Review status: criteria provided, single submitter. Criteria: Invitae Variant Classification Sherloc (09022015). Collection method: clinical testing. Allele origin: germline.
Comment: This sequence change affects a donor splice site in intron 8 of the HEXB gene. It is expected to disrupt RNA splicing. Variants that disrupt the donor or acceptor splice site typically lead to a loss of protein function (PMID: 16199547), and loss-of-function variants in HEXB are known to be pathogenic (PMID: 7550345, 18758829). This variant is not present in population databases (gnomAD no frequency). This variant has not been reported in the literature in individuals affected with HEXB-related conditions. ClinVar contains an entry for this variant (Variation ID: 836930). Algorithms developed to predict the effect of sequence changes on RNA splicing suggest that this variant may disrupt the consensus splice site. In summary, the currently available evidence indicates that the variant is pathogenic, but additional data are needed to prove that conclusively. Therefore, this variant has been classified as Likely Pathogenic.

Literature cited by the submitters: PubMed 16199547 (cited by Labcorp Genetics (formerly Invitae), Labcorp); PubMed 7550345 (cited by Labcorp Genetics (formerly Invitae), Labcorp); PubMed 18758829 (cited by Labcorp Genetics (formerly Invitae), Labcorp).